The following is an entry in ClinVar:

NM_001371623.1(TCOF1):c.270G>A (p.Glu90=)

Gene: TCOF1 (treacle ribosome biogenesis factor 1; plus strand). Cytogenetic location: 5q32.
Variant type: single nucleotide variant.
Coding change: c.270G>A on transcript NM_001371623.1 (MANE Select); coding-DNA position 270, G replaced by A.
Protein change: p.Glu90=; no amino-acid change (glutamic acid 90 retained).
Molecular consequence: synonymous variant.
Genome position (GRCh38, 1-based): chr5:150,364,218, G>A. VCF-style: chr5-150364218-G-A. GRCh37 (hg19) VCF-style: chr5-149743781-G-A.
Other names: c.270G>A, p.Glu90= (NM_000356.4, NM_001008657.3, NM_001135243.2 and 3 more transcripts).
Identifiers: ClinVar variation 718119 (VCV000718119.7), dbSNP rs777057497, ClinGen allele CA3510504.

ClinVar aggregate classification (germline): Likely benign. Review status: criteria provided, single submitter (1 of 4 stars). 2 submissions from 2 submitters: Likely benign (1). 1 of the submissions does not count toward it. Last evaluated 2025-02-06.

Conditions:
TCOF1-related disorder. Also called: TCOF1-related condition.
Treacher Collins syndrome 1 (TCS1). Also called: TCOF1-Related Treacher Collins Syndrome. Identifiers: Orphanet 861, MedGen CN315775, MONDO:0007944, OMIM 154500.

Allele frequency attached by ClinVar (database versions not stated): ExAC 0.00002; TOPMed 0.00003; gnomAD exomes 0.00008.
gnomAD v4.1: 22 of 1,614,176 alleles (0.0014%); highest among the groups gnomAD compares: Admixed American, 0.037%; no homozygotes.

Submissions (2):

Labcorp Genetics (formerly Invitae), Labcorp
Classification: Likely benign for Treacher Collins syndrome 1. Last evaluated: 2025-02-06. Review status: criteria provided, single submitter. Criteria: Invitae Variant Classification Sherloc (09022015). Collection method: clinical testing. Allele origin: germline.

PreventionGenetics, part of Exact Sciences
Classification: Likely benign for TCOF1-related condition. Last evaluated: 2020-07-02. Review status: no assertion criteria provided. Collection method: clinical testing. Allele origin: germline. Not counted in ClinVar's aggregate classification.
Comment: This variant is classified as likely benign based on ACMG/AMP sequence variant interpretation guidelines (Richards et al. 2015 PMID: 25741868, with internal and published modifications).